The following is an entry in ClinVar:

NR_001564.3(XIST):n.16066delC

Genes: TSIX (TSIX transcript, XIST antisense RNA; plus strand), XIST (X inactive specific transcript; minus strand). Cytogenetic location: Xq13.2.
Variant type: Deletion.
Molecular consequence: non-coding transcript variant (on NR_003255.2).
Genome position: GRCh38 VCF-style: chrX-73823824-TG-T. GRCh37 (hg19) VCF-style: chrX-73043659-TG-T.
Identifiers: ClinVar variation 3038685 (VCV003038685.2), dbSNP rs201836793, ClinGen allele CA10452048.

ClinVar aggregate classification (germline): Benign (0 of 4 stars; one submission).

Conditions:
XIST-related disorder. Also called: XIST-related condition.

Submission:

PreventionGenetics, part of Exact Sciences
Classification: Benign for XIST-related condition. Last evaluated: 2020-01-20. Review status: no assertion criteria provided. Collection method: clinical testing. Allele origin: germline.
Comment: This variant is classified as benign based on ACMG/AMP sequence variant interpretation guidelines (Richards et al. 2015 PMID: 25741868, with internal and published modifications).